The following is an entry in ClinVar:

ClinVar aggregate classification (germline): Uncertain significance (1 of 4 stars; one submission).

Allele frequency attached by ClinVar (database versions not stated): gnomAD exomes below 0.00001.
gnomAD v4.1: 2 of 1,590,484 alleles (0.00013%); highest among the groups gnomAD compares: East Asian, 0.0023%; no homozygotes.

Submission:

GeneDx
Classification: Uncertain significance. Last evaluated: 2019-07-02. Review status: criteria provided, single submitter. Criteria: GeneDx Variant Classification Process June 2021. Collection method: clinical testing. Allele origin: germline. Affected: yes.
Comment: In silico analysis, which includes protein predictors and evolutionary conservation, supports that this variant does not alter protein structure/function; Has not been previously published as pathogenic or benign to our knowledge

NM_001375380.1(EBF3):c.1381A>G (p.Ser461Gly)

Gene: EBF3 (EBF transcription factor 3; minus strand). Cytogenetic location: 10q26.3.
Variant type: single nucleotide variant.
Coding change: c.1381A>G on transcript NM_001375380.1 (MANE Select); coding-DNA position 1381, A replaced by G.
Protein change: p.Ser461Gly; replaces serine 461 with glycine.
Molecular consequence: missense variant. On other transcripts: intron variant (1).
Genome position (GRCh38, 1-based): chr10:129,841,024, T>C on the plus strand (A>G on the coding strand, the complement: EBF3 is on the minus strand). VCF-style: chr10-129841024-T-C. GRCh37 (hg19) VCF-style: chr10-131639288-T-C.
Other names: c.1354A>G, p.Ser452Gly (NM_001005463.3, NM_001375390.1); c.1381A>G, p.Ser461Gly (NM_001375379.1, NM_001375389.1, NM_001375391.1); c.1346-582A>G (NM_001375392.1); short protein forms S452G, S461G.
Identifiers: ClinVar variation 1306590 (VCV001306590.2), dbSNP rs1406490086, ClinGen allele CA378718826.